The following is an entry in ClinVar:

ClinVar aggregate classification (germline): Uncertain significance (1 of 4 stars; one submission).

Allele frequency attached by ClinVar (database versions not stated): gnomAD 0.00002; TOPMed 0.00003; gnomAD exomes 0.00006 and 0.00009; ExAC 0.00018.
gnomAD v4.1: 85 of 1,590,470 alleles (0.0053%); highest among the groups gnomAD compares: Admixed American, 0.033%; no homozygotes.

Submission:

Labcorp Genetics (formerly Invitae), Labcorp
Classification: Uncertain significance. Last evaluated: 2025-10-27. Review status: criteria provided, single submitter. Criteria: Invitae Variant Classification Sherloc (09022015). Collection method: clinical testing. Allele origin: germline.
Comment: This sequence change creates a premature translational stop signal (p.Arg182*) in the FSCN2 gene. It is expected to result in an absent or disrupted protein product. However, the current clinical and genetic evidence is not sufficient to establish whether loss-of-function variants in FSCN2 cause disease. This variant is present in population databases (rs782341260, gnomAD 0.03%). This variant has not been reported in the literature in individuals affected with FSCN2-related conditions. ClinVar contains an entry for this variant (Variation ID: 959904). In summary, the available evidence is currently insufficient to determine the role of this variant in disease. Therefore, it has been classified as a Variant of Uncertain Significance.

NM_012418.4(FSCN2):c.544C>T (p.Arg182Ter)

Gene: FSCN2 (fascin actin-bundling protein 2, retinal; plus strand). Cytogenetic location: 17q25.3.
Variant type: single nucleotide variant.
Coding change: c.544C>T on transcript NM_012418.4 (MANE Select); coding-DNA position 544, C replaced by T.
Protein change: p.Arg182Ter; replaces arginine 182 with a stop codon.
Molecular consequence: nonsense.
Genome position (GRCh38, 1-based): chr17:81,529,075, C>T. VCF-style: chr17-81529075-C-T. GRCh37 (hg19) VCF-style: chr17-79496101-C-T.
Other names: c.544C>T, p.Arg182Ter (NM_001077182.3); short protein forms R182*.
Identifiers: ClinVar variation 959904 (VCV000959904.9), dbSNP rs782341260, ClinGen allele CA8836711.